The following is an entry in ClinVar:

NM_000548.5(TSC2):c.4633A>G (p.Ile1545Val)

Gene: TSC2 (TSC complex subunit 2; plus strand). Cytogenetic location: 16p13.3.
Variant type: single nucleotide variant.
Coding change: c.4633A>G on transcript NM_000548.5 (MANE Select); coding-DNA position 4633, A replaced by G.
Protein change: p.Ile1545Val; replaces isoleucine 1545 with valine.
Molecular consequence: missense variant.
Genome position (GRCh38, 1-based): chr16:2,085,293, A>G. VCF-style: chr16-2085293-A-G. GRCh37 (hg19) VCF-style: chr16-2135294-A-G.
Other names: c.4432A>G, p.Ile1478Val (NM_001077183.3); c.4564A>G, p.Ile1522Val (NM_001114382.3); c.4324A>G, p.Ile1442Val (NM_001318827.2); c.4288A>G, p.Ile1430Val (NM_001318829.2); c.3901A>G, p.Ile1301Val (NM_001318831.2); c.4465A>G, p.Ile1489Val (NM_001318832.2); c.4435A>G, p.Ile1479Val (NM_001363528.2); c.4501A>G, p.Ile1501Val (NM_001370404.1); and 1 more; short protein forms I1545V, I1442V, I1478V, I1501V, I1479V, I1502V, I1301V, I1430V.
Identifiers: ClinVar variation 238055 (VCV000238055.15), dbSNP rs878854109, ClinGen allele CA10583336.
Genomic context (GRCh38, chr16:2,085,293, plus strand): 5'-CAGTCCTTTGAGCGGTCGGTGCAGCTCCTCGACCAGATCCCATCATACGACACCCACAAG[A>G]TCGCCGTCCTGTATGTTGGAGAAGGCCAGGTGAGGCTGCGGGGCCGGCCTAGGTGCCTGG-3'
Protein context (NP_000539.2, residues 1535-1555): DQIPSYDTHK[Ile1545Val]AVLYVGEGQS

ClinVar aggregate classification (germline): Conflicting classifications of pathogenicity. Review status: criteria provided, conflicting classifications (1 of 4 stars). 4 submissions from 4 submitters: Uncertain significance (3); Benign (1). Last evaluated 2025-11-25.

Conditions:
Hereditary cancer-predisposing syndrome. Also called: Tumor predisposition; Hereditary Cancer Syndrome; Hereditary neoplastic syndrome; Neoplastic Syndromes, Hereditary. Identifiers: Orphanet 140162, MedGen C0027672, MeSH D009386, MONDO:0015356.
Tuberous sclerosis 2 (TSC2). Identifiers: Orphanet 805, MedGen C1860707, MONDO:0013199, OMIM 613254.
Isolated focal cortical dysplasia type II (FCORD2). Also called: Focal cortical dysplasia type II; CORTICAL DYSPLASIA OF TAYLOR. Identifiers: Orphanet 268994, MedGen C1846385, MONDO:0011818, OMIM 607341, HP:0032051.
Tuberous sclerosis syndrome (TSC). Also called: Tuberous Sclerosis Complex; Tuberous sclerosis. Identifiers: Orphanet 805, MedGen C0041341, MONDO:0001734.

Allele frequency attached by ClinVar (database versions not stated): gnomAD exomes 0.00001; TOPMed 0.00001.
gnomAD v4.1: 9 of 1,612,684 alleles (0.00056%); highest among the groups gnomAD compares: Non-Finnish European, 0.00076%; no homozygotes.

Submissions (4):

Labcorp Genetics (formerly Invitae), Labcorp
Classification: Benign for Tuberous sclerosis 2. Last evaluated: 2025-11-25. Review status: criteria provided, single submitter. Criteria: Invitae Variant Classification Sherloc (09022015). Collection method: clinical testing. Allele origin: germline.

Baylor Genetics
Classification: Uncertain significance for Isolated focal cortical dysplasia type II. Last evaluated: 2023-10-04. Review status: criteria provided, single submitter. Criteria: ACMG Guidelines, 2015. Collection method: clinical testing. Allele origin: unknown.

All of Us Research Program, National Institutes of Health
Classification: Uncertain significance for Tuberous sclerosis syndrome. Last evaluated: 2023-05-04. Review status: criteria provided, single submitter. Criteria: ACMG Guidelines, 2015. Collection method: clinical testing. Allele origin: germline. Inheritance: Autosomal dominant inheritance. Observed: 1 variant allele, 1 heterozygote.
Comment: This missense variant replaces isoleucine with valine at codon 1545 of the TSC2 protein. Computational prediction is inconclusive regarding the impact of this variant on protein structure and function (internally defined REVEL score threshold 0.5 < inconclusive < 0.7, PMID: 27666373). To our knowledge, functional studies have not been reported for this variant. This variant has not been reported in individuals affected with TSC2-related disorders in the literature. This variant has not been identified in the general population by the Genome Aggregation Database (gnomAD). The available evidence is insufficient to determine the role of this variant in disease conclusively. Therefore, this variant is classified as a Variant of Uncertain Significance.

This study involves interpretation of variants in research participants for the purpose of population health screening. Participant phenotype was not available at the time of variant classification. Additional details can be found in publication PMID: 35346344, PMCID: PMC8962531

Ambry Genetics
Classification: Uncertain significance for Hereditary cancer-predisposing syndrome. Last evaluated: 2023-02-17. Review status: criteria provided, single submitter. Criteria: Ambry Variant Classification Scheme 2023. Collection method: clinical testing. Allele origin: germline.
Comment: The p.I1545V variant (also known as c.4633A>G), located in coding exon 35 of the TSC2 gene, results from an A to G substitution at nucleotide position 4633. The isoleucine at codon 1545 is replaced by valine, an amino acid with highly similar properties. This amino acid position is highly conserved in available vertebrate species. In addition, the in silico prediction for this alteration is inconclusive. Since supporting evidence is limited at this time, the clinical significance of this alteration remains unclear.